The following is an entry in ClinVar:

ClinVar aggregate classification (germline): Uncertain significance. Review status: criteria provided, multiple submitters, no conflicts (2 of 4 stars). 2 submissions from 2 submitters: Uncertain significance (2). Last evaluated 2025-05-04.

Allele frequency attached by ClinVar (database versions not stated): gnomAD exomes 0.00001 and 0.00002; ExAC 0.00002; gnomAD 0.00003 and 0.00004; TOPMed 0.00006; ESP Exome Variant Server 0.00008.
gnomAD v4.1: 28 of 1,614,028 alleles (0.0017%); highest among the groups gnomAD compares: Admixed American, 0.0083%; no homozygotes.

Submissions (2):

Labcorp Genetics (formerly Invitae), Labcorp
Classification: Uncertain significance. Last evaluated: 2025-05-04. Review status: criteria provided, single submitter. Criteria: Invitae Variant Classification Sherloc (09022015). Collection method: clinical testing. Allele origin: germline.
Comment: This sequence change replaces proline, which is neutral and non-polar, with leucine, which is neutral and non-polar, at codon 356 of the SLC7A14 protein (p.Pro356Leu). This variant is present in population databases (rs371104588, gnomAD 0.01%). This variant has not been reported in the literature in individuals affected with SLC7A14-related conditions. ClinVar contains an entry for this variant (Variation ID: 857126). An algorithm developed to predict the effect of missense changes on protein structure and function (PolyPhen-2) suggests that this variant is likely to be disruptive. In summary, the available evidence is currently insufficient to determine the role of this variant in disease. Therefore, it has been classified as a Variant of Uncertain Significance.

Blueprint Genetics
Classification: Uncertain significance. Last evaluated: 2018-05-30. Review status: criteria provided, single submitter. Criteria: ACMG Guidelines, 2015. Collection method: clinical testing. Allele origin: germline.

NM_020949.3(SLC7A14):c.1067C>T (p.Pro356Leu)

Genes: SLC7A14 (solute carrier family 7 member 14; minus strand), SLC7A14-AS1 (SLC7A14 antisense RNA 1; plus strand). Cytogenetic location: 3q26.2.
Variant type: single nucleotide variant.
Coding change: c.1067C>T on transcript NM_020949.3 (MANE Select); coding-DNA position 1067, C replaced by T.
Protein change: p.Pro356Leu; replaces proline 356 with leucine.
Molecular consequence: missense variant.
Genome position (GRCh38, 1-based): chr3:170,483,362, G>A on the plus strand (C>T on the coding strand, the complement: SLC7A14 is on the minus strand). VCF-style: chr3-170483362-G-A. GRCh37 (hg19) VCF-style: chr3-170201151-G-A.
Other names: short protein forms P356L.
Identifiers: ClinVar variation 857126 (VCV000857126.8), dbSNP rs371104588, ClinGen allele CA2701727.